The following is an entry in ClinVar:

ClinVar aggregate classification (germline): Uncertain significance (1 of 4 stars; one submission).

Conditions:
Hereditary cancer-predisposing syndrome. Also called: Neoplastic Syndromes, Hereditary; Tumor predisposition; Hereditary Cancer Syndrome; Hereditary neoplastic syndrome. Identifiers: Orphanet 140162, MedGen C0027672, MeSH D009386, MONDO:0015356.

Allele frequency attached by ClinVar (database versions not stated): gnomAD exomes below 0.00001.
gnomAD v4.1: 2 of 1,614,168 alleles (0.00012%); highest among the groups gnomAD compares: African/African-American, 0.0013%; no homozygotes.

Submission:

Ambry Genetics
Classification: Uncertain significance for Hereditary cancer-predisposing syndrome. Last evaluated: 2022-07-21. Review status: criteria provided, single submitter. Criteria: Ambry Variant Classification Scheme 2023. Collection method: clinical testing. Allele origin: germline.
Comment: The p.H363P variant (also known as c.1088A>C), located in coding exon 11 of the FANCC gene, results from an A to C substitution at nucleotide position 1088. The histidine at codon 363 is replaced by proline, an amino acid with similar properties. This amino acid position is conserved. In addition, this alteration is predicted to be tolerated by in silico analysis. Since supporting evidence is limited at this time, the clinical significance of this alteration remains unclear.

NM_000136.3(FANCC):c.1088A>C (p.His363Pro)

Genes: AOPEP (aminopeptidase O (putative); plus strand), FANCC (FA complementation group C; minus strand). Cytogenetic location: 9q22.32.
Variant type: single nucleotide variant.
Coding change: c.1088A>C on transcript NM_000136.3 (MANE Select); coding-DNA position 1088, A replaced by C.
Protein change: p.His363Pro; replaces histidine 363 with proline.
Molecular consequence: missense variant.
Genome position (GRCh38, 1-based): chr9:95,114,695, T>G on the plus strand (A>C on the coding strand, the complement: FANCC is on the minus strand). VCF-style: chr9-95114695-T-G. GRCh37 (hg19) VCF-style: chr9-97876977-T-G.
Other names: c.1088A>C, p.His363Pro (NM_001243743.2, NM_001243744.2); short protein forms H363P.
Identifiers: ClinVar variation 1788127 (VCV001788127.2), dbSNP rs2072244970, ClinGen allele CA374108047.